The following is an entry in ClinVar:

ClinVar aggregate classification (germline): Uncertain significance (1 of 4 stars; one submission).

Conditions:
Cardiovascular phenotype. Identifiers: MedGen CN230736.

Submission:

Ambry Genetics
Classification: Uncertain significance for Cardiovascular phenotype. Last evaluated: 2026-06-15. Review status: criteria provided, single submitter. Criteria: Ambry Variant Classification Scheme 2023. Collection method: clinical testing. Allele origin: germline.
Comment: The p.A312V variant (also known as c.935C>T), located in coding exon 1 of the FOXE3 gene, results from a C to T substitution at nucleotide position 935. The alanine at codon 312 is replaced by valine, an amino acid with similar properties. This amino acid position is conserved. In addition, this alteration is predicted to be tolerated by in silico analysis. Based on the available evidence, the clinical significance of this variant remains unclear.

NM_012186.3(FOXE3):c.935C>T (p.Ala312Val)

Genes: FOXE3 (forkhead box E3; plus strand), LINC01389 (long independently transcribed non-coding RNA 1389; minus strand). Cytogenetic location: 1p33.
Variant type: single nucleotide variant.
Coding change: c.935C>T on transcript NM_012186.3 (MANE Select); coding-DNA position 935, C replaced by T.
Protein change: p.Ala312Val; replaces alanine 312 with valine.
Molecular consequence: missense variant.
Genome position (GRCh38, 1-based): chr1:47,417,250, C>T. VCF-style: chr1-47417250-C-T. GRCh37 (hg19) VCF-style: chr1-47882922-C-T.
Other names: short protein forms A312V.
Identifiers: ClinVar variation 5022007 (VCV005022007.1).
Genomic context (GRCh38, chr1:47,417,250, plus strand): 5'-CGGCAGCCGCTCTCGGCCCGCTCAGCCCTGGGGAGGCCTACCTGAGGCAGCCGGGCTTCG[C>T]GTCGGGGCTGGAGCGCTACCTGTGAGCCTGCGCCGCGCGGGCAGGCACCTGTGCGACCTG-3'
Protein context (NP_036318.1, residues 302-319): GEAYLRQPGF[Ala312Val]SGLERYL